The following is an entry in ClinVar:

NM_001429.4(EP300):c.3815G>C (p.Cys1272Ser)

Gene: EP300 (EP300 lysine acetyltransferase; plus strand). Cytogenetic location: 22q13.2.
Variant type: single nucleotide variant.
Coding change: c.3815G>C on transcript NM_001429.4 (MANE Select); coding-DNA position 3815, G replaced by C.
Protein change: p.Cys1272Ser; replaces cysteine 1272 with serine.
Molecular consequence: missense variant.
Genome position (GRCh38, 1-based): chr22:41,166,607, G>C. VCF-style: chr22-41166607-G-C. GRCh37 (hg19) VCF-style: chr22-41562611-G-C.
Other names: c.3737G>C, p.Cys1246Ser (NM_001362843.2); short protein forms C1246S, C1272S.
Identifiers: ClinVar variation 2653205 (VCV002653205.26), dbSNP rs2517817656, ClinGen allele CA411698555.

ClinVar aggregate classification (germline): Conflicting classifications of pathogenicity. Review status: criteria provided, conflicting classifications (1 of 4 stars). 2 submissions from 2 submitters: Likely pathogenic (1); Uncertain significance (1). Last evaluated 2024-07-05.

Conditions:
Menke-Hennekam syndrome 2 (MKHK2). Identifiers: MedGen C5193035, MONDO:0020769, OMIM 618333.
Rubinstein-Taybi syndrome due to EP300 haploinsufficiency. Also called: EP300-Related Rubinstein-Taybi Syndrome; RUBINSTEIN-TAYBI SYNDROME 2. Identifiers: Orphanet 353284, Orphanet 783, MedGen C3150941, MONDO:0013364, OMIM 613684.

Submissions (2):

Institute of Human Genetics, Heidelberg University
Classification: Likely pathogenic for Menke-Hennekam syndrome 2; Rubinstein-Taybi syndrome due to EP300 haploinsufficiency. Last evaluated: 2024-07-05. Review status: criteria provided, single submitter. Criteria: ACMG Guidelines, 2015. Collection method: clinical testing. Allele origin: paternal. Affected: yes.

CeGaT Center for Human Genetics Tuebingen
Classification: Uncertain significance. Last evaluated: 2022-12-01. Review status: criteria provided, single submitter. Criteria: CeGaT Center For Human Genetics Tuebingen Variant Classification Criteria Version 2. Collection method: clinical testing. Allele origin: germline. Affected: yes. Observed: 1 variant allele.
Comment: EP300: PM2, PP3